The following is an entry in ClinVar:

ClinVar aggregate classification (germline): Uncertain significance (1 of 4 stars; one submission).

Submission:

GeneDx
Classification: Uncertain significance. Last evaluated: 2019-11-26. Review status: criteria provided, single submitter. Criteria: GeneDx Variant Classification Process June 2021. Collection method: clinical testing. Allele origin: germline. Affected: yes.
Comment: Not observed in large population cohorts (Lek 2016); In silico analysis, which includes protein predictors and evolutionary conservation, supports a deleterious effect; Has not been previously published as pathogenic or benign to our knowledge

NM_002691.4(POLD1):c.752A>G (p.Glu251Gly)

Gene: POLD1 (DNA polymerase delta 1, catalytic subunit; plus strand). Cytogenetic location: 19q13.33.
Variant type: single nucleotide variant.
Coding change: c.752A>G on transcript NM_002691.4 (MANE Select); coding-DNA position 752, A replaced by G.
Protein change: p.Glu251Gly; replaces glutamic acid 251 with glycine.
Molecular consequence: missense variant. On other transcripts: non-coding transcript variant (1).
Genome position (GRCh38, 1-based): chr19:50,402,367, A>G. VCF-style: chr19-50402367-A-G. GRCh37 (hg19) VCF-style: chr19-50905624-A-G.
Other names: c.752A>G, p.Glu251Gly (NM_001256849.1, NM_001308632.1); short protein forms E251G.
Identifiers: ClinVar variation 1310837 (VCV001310837.2), dbSNP rs2122247002, ClinGen allele CA406974661.
Genomic context (GRCh38, chr19:50,402,367, plus strand): 5'-TCCGTGTGGCAGGCCTGGGCACGCCCAGCTTCGCGCCCTACGAGGCCAACGTCGACTTTG[A>G]GATCCGGTACGGCCTCTGCCTCACTTCTCCGGCCTCTATCCCCACCCTCGGGCAGCCCCT-3'
Protein context (NP_002682.2, residues 241-261): FAPYEANVDF[Glu251Gly]IRFMVDTDIV